The following is an entry in ClinVar:

ClinVar aggregate classification (germline): Benign/Likely benign. Review status: criteria provided, multiple submitters, no conflicts (2 of 4 stars). 10 submissions from 9 submitters: Benign (6); Likely benign (4). Last evaluated 2026-02-04.

Conditions:
Papillon-Lefèvre syndrome (PALS). Also called: Papillon-Lefevre Disease; KERATOSIS PALMOPLANTARIS WITH PERIODONTOPATHIA. Identifiers: Orphanet 678, MedGen C0030360, MONDO:0009490, OMIM 245000.
Periodontitis, aggressive. Identifiers: MedGen C0031106, MONDO:0980757.
Haim-Munk syndrome (HMS). Also called: COCHIN JEWISH DISORDER; KERATOSIS PALMOPLANTARIS WITH PERIODONTOPATHIA AND ONYCHOGRYPOSIS. Identifiers: Orphanet 2342, MedGen C1855627, MONDO:0009491, OMIM 245010.

Allele frequency attached by ClinVar (database versions not stated): ESP Exome Variant Server 0.04877; TOPMed 0.05563; gnomAD 0.05696 and 0.05853; 1000 Genomes Project 30x 0.08214; 1000 Genomes Project 0.08387.
gnomAD v4.1: 78,475 of 1,613,916 alleles (4.9%); highest among the groups gnomAD compares: East Asian, 13%; 2,560 homozygotes.

Submissions (10):

Labcorp Genetics (formerly Invitae), Labcorp
Classification: Benign for Haim-Munk syndrome; Periodontitis, aggressive; Papillon-Lefèvre syndrome. Last evaluated: 2026-02-04. Review status: criteria provided, single submitter. Criteria: Invitae Variant Classification Sherloc (09022015). Collection method: clinical testing. Allele origin: germline.

Mayo Clinic Laboratories, Mayo Clinic
Classification: Benign. Last evaluated: 2025-09-15. Review status: criteria provided, single submitter. Criteria: ACMG Guidelines, 2015. Collection method: clinical testing. Allele origin: germline. Observed: 3 variant alleles.
Comment: BA1, BS2

Blueprint Genetics
Classification: Likely benign. Last evaluated: 2024-11-27. Review status: criteria provided, single submitter. Criteria: ACMG Guidelines, 2015. Collection method: clinical testing. Allele origin: germline.

GeneDx
Classification: Benign. Last evaluated: 2017-09-11. Review status: criteria provided, single submitter. Criteria: GeneDx Variant Classification (06012015). Collection method: clinical testing. Allele origin: germline. Affected: yes.
Comment: This variant is considered likely benign or benign based on one or more of the following criteria: it is a conservative change, it occurs at a poorly conserved position in the protein, it is predicted to be benign by multiple in silico algorithms, and/or has population frequency not consistent with disease.

Illumina Laboratory Services, Illumina
Classification: Likely benign for Papillon-Lefèvre syndrome. Last evaluated: 2017-04-27. Review status: criteria provided, single submitter. Criteria: ICSL Variant Classification Criteria 13 December 2019. Collection method: clinical testing. Allele origin: germline.
Comment: This variant was observed as part of a predisposition screen in an ostensibly healthy population. A literature search was performed for the gene, cDNA change, and amino acid change (where applicable). Publications were found based on this search. The evidence from the literature, in combination with allele frequency data from public databases where available, was sufficient to determine this variant is unlikely to cause disease. Therefore, this variant is classified as likely benign.

Illumina Laboratory Services, Illumina
Classification: Likely benign for Haim-Munk syndrome. Last evaluated: 2017-04-27. Review status: criteria provided, single submitter. Criteria: ICSL Variant Classification Criteria 13 December 2019. Collection method: clinical testing. Allele origin: germline.
Comment: This variant was observed as part of a predisposition screen in an ostensibly healthy population. A literature search was performed for the gene, cDNA change, and amino acid change (where applicable). No publications were found based on this search. Allele frequency data from public databases allowed determination this variant is unlikely to cause disease. Therefore, this variant is classified as likely benign.

Laboratory for Molecular Medicine, Mass General Brigham Personalized Medicine
Classification: Benign. Last evaluated: 2016-03-28. Review status: criteria provided, single submitter. Criteria: LMM Criteria. Collection method: clinical testing. Allele origin: germline.
Comment: Variant identified in a genome or exome case(s) and assessed due to predicted null impact of the variant or pathogenic assertions in the literature or databases. Disclaimer: This variant has not undergone full assessment. The following are preliminary notes: One paper associating variant with aggressive periodontitis - unrelated to patient disease

Eurofins Ntd Llc (ga)
Classification: Benign. Last evaluated: 2014-10-14. Review status: criteria provided, single submitter. Criteria: EGL Classification Definitions 2015. Collection method: clinical testing. Allele origin: germline.

Breakthrough Genomics
Classification: Likely benign. Review status: criteria provided, single submitter. Criteria: ACMG Guidelines, 2015. Collection method: not provided. Allele origin: germline. Inheritance: Autosomal recessive inheritance. Affected: yes.

PreventionGenetics, part of Exact Sciences
Classification: Benign. Review status: criteria provided, single submitter. Criteria: ACMG Guidelines, 2015. Collection method: clinical testing. Allele origin: germline.

Literature cited by the submitters: PubMed 18809751 (cited by Mayo Clinic Laboratories, Mayo Clinic and Illumina Laboratory Services, Illumina); PubMed 24966751 (cited by Mayo Clinic Laboratories, Mayo Clinic); PubMed 34461324 (cited by Mayo Clinic Laboratories, Mayo Clinic); PubMed 14974080 (cited by Illumina Laboratory Services, Illumina).

NM_001814.6(CTSC):c.1357A>G (p.Ile453Val)

Gene: CTSC (cathepsin C; minus strand). Cytogenetic location: 11q14.2.
Variant type: single nucleotide variant.
Coding change: c.1357A>G on transcript NM_001814.6 (MANE Select); coding-DNA position 1357, A replaced by G.
Protein change: p.Ile453Val; replaces isoleucine 453 with valine.
Molecular consequence: missense variant.
Genome position (GRCh38, 1-based): chr11:88,294,041, T>C on the plus strand (A>G on the coding strand, the complement: CTSC is on the minus strand). VCF-style: chr11-88294041-T-C. GRCh37 (hg19) VCF-style: chr11-88027209-T-C.
Other names: short protein forms I453V.
Identifiers: ClinVar variation 198470 (VCV000198470.24), dbSNP rs3888798, ClinGen allele CA203465.